The following is an entry in ClinVar:

NM_001360016.2(G6PD):c.*365G>A

Gene: G6PD (glucose-6-phosphate dehydrogenase; minus strand). Cytogenetic location: Xq28.
Variant type: single nucleotide variant.
Coding change: c.*365G>A on transcript NM_001360016.2 (MANE Select); 365 bases downstream of the stop codon, G replaced by A.
Molecular consequence: 3 prime UTR variant.
Genome position (GRCh38, 1-based): chrX:154,531,635, C>T on the plus strand (G>A on the coding strand, the complement: G6PD is on the minus strand). VCF-style: chrX-154531635-C-T. GRCh37 (hg19) VCF-style: chrX-153759850-C-T.
Other names: c.*365G>A (NM_000402.4, NM_001042351.3).
Identifiers: ClinVar variation 368095 (VCV000368095.29), dbSNP rs1034742794, ClinGen allele CA10646063.
Genomic context (GRCh38, chrX:154,531,635, plus strand): 5'-CACTGAGGCTGGCGGGCAAGGCCACAGGCAGATTCTCTCACGTGGGTGCTCGCCCCTTTC[C>T]TCCCCCTCGTCCCTCCCTCCCACCCTGGCCCCACTCAGGAGTGAGACCCAGTGGCCAATA-3'

ClinVar aggregate classification (germline): Conflicting classifications of pathogenicity. Review status: criteria provided, conflicting classifications (1 of 4 stars). 2 submissions from 2 submitters: Uncertain significance (1); Likely benign (1). Last evaluated 2023-03-01.

Conditions:
G6PD deficiency. Also called: G6PD A-. Identifiers: MedGen C2939465, MONDO:0005775.

Allele frequency attached by ClinVar (database versions not stated): TOPMed 0.00012; gnomAD 0.00017; gnomAD exomes 0.00019.
gnomAD v4.1: 49 of 278,722 alleles (0.018%); highest among the groups gnomAD compares: Non-Finnish European, 0.029%; no homozygotes.

Submissions (2):

CeGaT Center for Human Genetics Tuebingen
Classification: Likely benign. Last evaluated: 2023-03-01. Review status: criteria provided, single submitter. Criteria: CeGaT Center For Human Genetics Tuebingen Variant Classification Criteria Version 2. Collection method: clinical testing. Allele origin: germline. Affected: yes. Observed: 2 variant alleles.
Comment: G6PD: BS2

Illumina Laboratory Services, Illumina
Classification: Uncertain significance for Glucose 6 phosphate dehydrogenase deficiency. Last evaluated: 2018-01-12. Review status: criteria provided, single submitter. Criteria: ICSL Variant Classification Criteria 13 December 2019. Collection method: clinical testing. Allele origin: germline.